The following is an entry in ClinVar:

ClinVar aggregate classification (germline): Uncertain significance (1 of 4 stars; one submission).

Conditions:
Congenital contractural arachnodactyly (CCA). Also called: BEALS SYNDROME; Beals-Hecht syndrome; Arthrogryposis, distal, type 9. Identifiers: Orphanet 115, MedGen C0220668, MONDO:0007363, OMIM 121050.

Allele frequency attached by ClinVar (database versions not stated): gnomAD exomes below 0.00001; TOPMed 0.00001.

Submission:

Labcorp Genetics (formerly Invitae), Labcorp
Classification: Uncertain significance for Congenital contractural arachnodactyly. Last evaluated: 2022-04-04. Review status: criteria provided, single submitter. Criteria: Invitae Variant Classification Sherloc (09022015). Collection method: clinical testing. Allele origin: germline.
Comment: In summary, the available evidence is currently insufficient to determine the role of this variant in disease. Therefore, it has been classified as a Variant of Uncertain Significance. Advanced modeling of protein sequence and biophysical properties (such as structural, functional, and spatial information, amino acid conservation, physicochemical variation, residue mobility, and thermodynamic stability) performed at Invitae indicates that this missense variant is not expected to disrupt FBN2 protein function. This variant has not been reported in the literature in individuals affected with FBN2-related conditions. This variant is not present in population databases (gnomAD no frequency). This sequence change replaces threonine, which is neutral and polar, with alanine, which is neutral and non-polar, at codon 1748 of the FBN2 protein (p.Thr1748Ala).

NM_001999.4(FBN2):c.5242A>G (p.Thr1748Ala)

Gene: FBN2 (fibrillin 2; minus strand). Cytogenetic location: 5q23.3.
Variant type: single nucleotide variant.
Coding change: c.5242A>G on transcript NM_001999.4 (MANE Select); coding-DNA position 5242, A replaced by G.
Protein change: p.Thr1748Ala; replaces threonine 1748 with alanine.
Molecular consequence: missense variant.
Genome position (GRCh38, 1-based): chr5:128,309,358, T>C on the plus strand (A>G on the coding strand, the complement: FBN2 is on the minus strand). VCF-style: chr5-128309358-T-C. GRCh37 (hg19) VCF-style: chr5-127645050-T-C.
Other names: short protein forms T1748A.
Identifiers: ClinVar variation 2182376 (VCV002182376.4), dbSNP rs1749970341, ClinGen allele CA360744185.